The following is an entry in ClinVar:

ClinVar aggregate classification (germline): Pathogenic (1 of 4 stars; one submission).

Conditions:
Congenital factor V deficiency. Also called: Hereditary factor V deficiency disease; LABILE FACTOR DEFICIENCY; OWREN PARAHEMOPHILIA; PARAHEMOPHILIA. Identifiers: Orphanet 326, MedGen C0015499, MONDO:0009210, OMIM 227400.

Submission:

Labcorp Genetics (formerly Invitae), Labcorp
Classification: Pathogenic for Congenital factor V deficiency. Last evaluated: 2025-02-25. Review status: criteria provided, single submitter. Criteria: Invitae Variant Classification Sherloc (09022015). Collection method: clinical testing. Allele origin: germline.
Comment: This sequence change creates a premature translational stop signal (p.Ser937Valfs*22) in the F5 gene. It is expected to result in an absent or disrupted protein product. Loss-of-function variants in F5 are known to be pathogenic (PMID: 30924984). This variant is not present in population databases (gnomAD no frequency). This variant has not been reported in the literature in individuals affected with F5-related conditions. For these reasons, this variant has been classified as Pathogenic.

Literature cited by the submitters: PubMed 30924984.

NM_000130.5(F5):c.2809del (p.Ser937fs)

Gene: F5 (coagulation factor V; minus strand). Cytogenetic location: 1q24.2.
Variant type: Deletion.
Coding change: c.2809del on transcript NM_000130.5 (MANE Select); coding-DNA position 2809, one base deleted (A; older notation c.2809delA).
Protein change: p.Ser937fs; shifts the reading frame from serine 937.
Molecular consequence: frameshift variant.
Genome position (GRCh38, 1-based): chr1:169,542,281, T deleted on the plus strand (A on the coding strand, the reverse complement: F5 is on the minus strand); the first of 3 consecutive T bases (chr1:169,542,281-169,542,283); deleting any one gives the same sequence. VCF-style (leftmost placement, unchanged base first): chr1-169542280-CT-C. GRCh37 (hg19) VCF-style: chr1-169511518-CT-C.
Other names: short protein forms S937fs.
Identifiers: ClinVar variation 4759890 (VCV004759890.1).